The following is an entry in ClinVar:

NM_000017.4(ACADS):c.1152C>T (p.Asp384=)

Gene: ACADS (acyl-CoA dehydrogenase short chain; plus strand). Cytogenetic location: 12q24.31.
Variant type: single nucleotide variant.
Coding change: c.1152C>T on transcript NM_000017.4 (MANE Select); coding-DNA position 1152, C replaced by T.
Protein change: p.Asp384=; no amino-acid change (aspartic acid 384 retained).
Molecular consequence: synonymous variant.
Genome position (GRCh38, 1-based): chr12:120,739,361, C>T. VCF-style: chr12-120739361-C-T. GRCh37 (hg19) VCF-style: chr12-121177164-C-T.
Other names: c.1152C>T (NM_000017.3); c.1140C>T, p.Asp380= (NM_001302554.2).
Identifiers: ClinVar variation 2146070 (VCV002146070.5), dbSNP rs771814293, ClinGen allele CA6831229.

ClinVar aggregate classification (germline): Likely benign. Review status: criteria provided, single submitter (1 of 4 stars). 2 submissions from 2 submitters: Likely benign (1). 1 of the submissions does not count toward it. Last evaluated 2023-10-22.

Conditions:
ACADS-related disorder. Also called: ACADS-related condition.
Deficiency of butyryl-CoA dehydrogenase (ACADSD). Also called: ACADS DEFICIENCY; SCADH DEFICIENCY; Short-Chain Acyl-CoA Dehydrogenase Deficiency; SCAD Deficiency; SCAD DEFICIENCY, MILD; ACYL-CoA DEHYDROGENASE, SHORT-CHAIN, DEFICIENCY OF. Identifiers: Orphanet 26792, MedGen C0342783, MONDO:0008722, OMIM 201470. Disease mechanism: May be benign.

Allele frequency attached by ClinVar (database versions not stated): TOPMed 0.00001; gnomAD 0.00002; ExAC 0.00004; gnomAD exomes 0.00004.
gnomAD v4.1: 58 of 1,612,928 alleles (0.0036%); highest among the groups gnomAD compares: Middle Eastern, 0.016%; no homozygotes.

Submissions (2):

Labcorp Genetics (formerly Invitae), Labcorp
Classification: Likely benign for Deficiency of butyryl-CoA dehydrogenase. Last evaluated: 2023-10-22. Review status: criteria provided, single submitter. Criteria: Invitae Variant Classification Sherloc (09022015). Collection method: clinical testing. Allele origin: germline.

PreventionGenetics, part of Exact Sciences
Classification: Likely benign for ACADS-related condition. Last evaluated: 2024-03-20. Review status: no assertion criteria provided. Collection method: clinical testing. Allele origin: germline. Not counted in ClinVar's aggregate classification.
Comment: This variant is classified as likely benign based on ACMG/AMP sequence variant interpretation guidelines (Richards et al. 2015 PMID: 25741868, with internal and published modifications).